The following is an entry in ClinVar:

NM_198075.4(LRRC56):c.713G>C (p.Gly238Ala)

Gene: LRRC56 (leucine rich repeat containing 56; plus strand). Cytogenetic location: 11p15.5.
Variant type: single nucleotide variant.
Coding change: c.713G>C on transcript NM_198075.4 (MANE Select); coding-DNA position 713, G replaced by C.
Protein change: p.Gly238Ala; replaces glycine 238 with alanine.
Molecular consequence: missense variant.
Genome position (GRCh38, 1-based): chr11:551,219, G>C. VCF-style: chr11-551219-G-C. GRCh37 (hg19) VCF-style: chr11-551219-G-C.
Other names: short protein forms G238A.
Identifiers: ClinVar variation 3625063 (VCV003625063.1).

ClinVar aggregate classification (germline): Uncertain significance (1 of 4 stars; one submission).

gnomAD v4.1: 3 of 1,547,036 alleles (0.00019%); highest among the groups gnomAD compares: Non-Finnish European, 0.00026%; no homozygotes.

Submission:

Labcorp Genetics (formerly Invitae), Labcorp
Classification: Uncertain significance. Last evaluated: 2024-07-10. Review status: criteria provided, single submitter. Criteria: Invitae Variant Classification Sherloc (09022015). Collection method: clinical testing. Allele origin: germline.
Comment: This sequence change replaces glycine, which is neutral and non-polar, with alanine, which is neutral and non-polar, at codon 238 of the LRRC56 protein (p.Gly238Ala). This variant is not present in population databases (gnomAD no frequency). This variant has not been reported in the literature in individuals affected with LRRC56-related conditions. Advanced modeling of protein sequence and biophysical properties (such as structural, functional, and spatial information, amino acid conservation, physicochemical variation, residue mobility, and thermodynamic stability) performed at Invitae indicates that this missense variant is not expected to disrupt LRRC56 protein function with a negative predictive value of 80%. In summary, the available evidence is currently insufficient to determine the role of this variant in disease. Therefore, it has been classified as a Variant of Uncertain Significance.